The following is an entry in ClinVar:

ClinVar aggregate classification (germline): Benign (1 of 4 stars; one submission).

Conditions:
Multiple synostoses syndrome 3 (SYNS3). Identifiers: Orphanet 3237, MedGen C2751826, MONDO:0013064, OMIM 612961.

Allele frequency attached by ClinVar (database versions not stated): gnomAD 0.00010 and 0.00023; TOPMed 0.00010; gnomAD exomes 0.00027; 1000 Genomes Project 0.00080; 1000 Genomes Project 30x 0.00094.
gnomAD v4.1: 42 of 179,326 alleles (0.023%); highest among the groups gnomAD compares: South Asian, 0.34%; no homozygotes.

Submission:

Illumina Laboratory Services, Illumina
Classification: Benign for Multiple synostoses syndrome 3. Last evaluated: 2018-01-13. Review status: criteria provided, single submitter. Criteria: ICSL Variant Classification Criteria 13 December 2019. Collection method: clinical testing. Allele origin: germline.
Comment: This variant was observed in the ICSL laboratory as part of a predisposition screen in an ostensibly healthy population. It had not been previously curated by ICSL or reported in the Human Gene Mutation Database (HGMD: prior to June 1st, 2018), and was therefore a candidate for classification through an automated scoring system. Utilizing variant allele frequency, disease prevalence and penetrance estimates, and inheritance mode, an automated score was calculated to assess if this variant is too frequent to cause the disease. Based on the score and internal cut-off values, a variant classified as benign is not then subjected to further curation. The score for this variant resulted in a classification of benign for this disease.

NM_002010.3(FGF9):c.*442T>C

Gene: FGF9 (fibroblast growth factor 9; plus strand). Cytogenetic location: 13q12.11.
Variant type: single nucleotide variant.
Coding change: c.*442T>C on transcript NM_002010.3 (MANE Select); 442 bases downstream of the stop codon, T replaced by C.
Molecular consequence: 3 prime UTR variant.
Genome position (GRCh38, 1-based): chr13:21,701,877, T>C. VCF-style: chr13-21701877-T-C. GRCh37 (hg19) VCF-style: chr13-22276016-T-C.
Identifiers: ClinVar variation 311444 (VCV000311444.5), dbSNP rs573811075, ClinGen allele CA10634011.
Genomic context (GRCh38, chr13:21,701,877, plus strand): 5'-TTTCATTTCTGATCAGTTGTACTTCATCCTATATCAGCACAGCTGCCATACTTCGACTTA[T>C]CAGGATTCTGGCTGGTGGCCTGCGCGAGGGTGCAGTCTTACTTAAAAGACTTTCAGTTAA-3'